The following is an entry in ClinVar:

NM_003280.3(TNNC1):c.416A>G (p.Asp139Gly)

Gene: TNNC1 (troponin C1, slow skeletal and cardiac type; minus strand). Cytogenetic location: 3p21.1.
Variant type: single nucleotide variant.
Coding change: c.416A>G on transcript NM_003280.3 (MANE Select); coding-DNA position 416, A replaced by G.
Protein change: p.Asp139Gly; replaces aspartic acid 139 with glycine.
Molecular consequence: missense variant.
Genome position (GRCh38, 1-based): chr3:52,451,429, T>C on the plus strand (A>G on the coding strand, the complement: TNNC1 is on the minus strand). VCF-style: chr3-52451429-T-C. GRCh37 (hg19) VCF-style: chr3-52485445-T-C.
Other names: short protein forms D139G.
Identifiers: ClinVar variation 2565481 (VCV002565481.2), dbSNP rs2471443630, ClinGen allele CA353165217.

ClinVar aggregate classification (germline): Uncertain significance (1 of 4 stars; one submission).

Conditions:
Cardiovascular phenotype. Identifiers: MedGen CN230736.

Submission:

Ambry Genetics
Classification: Uncertain significance for Cardiovascular phenotype. Last evaluated: 2023-04-28. Review status: criteria provided, single submitter. Criteria: Ambry Variant Classification Scheme 2023. Collection method: clinical testing. Allele origin: germline.
Comment: The p.D139G variant (also known as c.416A>G), located in coding exon 5 of the TNNC1 gene, results from an A to G substitution at nucleotide position 416. The aspartic acid at codon 139 is replaced by glycine, an amino acid with similar properties. This amino acid position is conserved. In addition, this alteration is predicted to be deleterious by in silico analysis. Since supporting evidence is limited at this time, the clinical significance of this alteration remains unclear.